The following is an entry in ClinVar:

ClinVar aggregate classification (germline): Pathogenic (1 of 4 stars; one submission).

Conditions:
Autosomal recessive polycystic kidney disease (ARPKD). Also called: AR polycystic kidney disease. Identifiers: Orphanet 731, Orphanet 8378, MedGen C0085548, MeSH D017044, MONDO:0009889.

Allele frequency attached by ClinVar (database versions not stated): TOPMed below 0.00001; gnomAD 0.00001.
gnomAD v4.1: 2 of 1,614,074 alleles (0.00012%); highest among the groups gnomAD compares: Non-Finnish European, 0.00017%; no homozygotes.

Submission:

Labcorp Genetics (formerly Invitae), Labcorp
Classification: Pathogenic for Autosomal recessive polycystic kidney disease. Last evaluated: 2023-02-04. Review status: criteria provided, single submitter. Criteria: Invitae Variant Classification Sherloc (09022015). Collection method: clinical testing. Allele origin: germline.
Comment: For these reasons, this variant has been classified as Pathogenic. This variant disrupts the p.Cys1692 amino acid residue in PKHD1. Other variant(s) that disrupt this residue have been determined to be pathogenic (PMID: 19021639, 19940839). This suggests that this residue is clinically significant, and that variants that disrupt this residue are likely to be disease-causing. Advanced modeling of protein sequence and biophysical properties (such as structural, functional, and spatial information, amino acid conservation, physicochemical variation, residue mobility, and thermodynamic stability) performed at Invitae indicates that this missense variant is expected to disrupt PKHD1 protein function. This missense change has been observed in individual(s) with polycystic kidney disease (Invitae). In at least one individual the data is consistent with being in trans (on the opposite chromosome) from a pathogenic variant. This variant is not present in population databases (gnomAD no frequency). This sequence change replaces cysteine, which is neutral and slightly polar, with serine, which is neutral and polar, at codon 1692 of the PKHD1 protein (p.Cys1692Ser).

Literature cited by the submitters: PubMed 19021639; PubMed 19940839.

NM_138694.4(PKHD1):c.5075G>C (p.Cys1692Ser)

Genes: PKHD1 (PKHD1 ciliary IPT domain containing fibrocystin/polyductin; minus strand), LOC126859690 (MED14-independent group 3 enhancer GRCh37_chr6:51888848-51890047; plus strand). Cytogenetic location: 6p12.2.
Variant type: single nucleotide variant.
Coding change: c.5075G>C on transcript NM_138694.4 (MANE Select); coding-DNA position 5075, G replaced by C.
Protein change: p.Cys1692Ser; replaces cysteine 1692 with serine.
Molecular consequence: missense variant.
Genome position (GRCh38, 1-based): chr6:52,024,735, C>G on the plus strand (G>C on the coding strand, the complement: PKHD1 is on the minus strand). VCF-style: chr6-52024735-C-G. GRCh37 (hg19) VCF-style: chr6-51889533-C-G.
Other names: c.5075G>C, p.Cys1692Ser (NM_170724.3); short protein forms C1692S.
Identifiers: ClinVar variation 1943896 (VCV001943896.5), dbSNP rs1801882025, ClinGen allele CA364428800.
Genomic context (GRCh38, chr6:52,024,735, plus strand): 5'-CCGGCCGGAAGGGAAGGGACCACGCACTGAAGAACGGTGTGGTTACCAGAGACACCCACA[C>G]AGGGTGACATTCCTATAAAAATGTCAATGTTTGCAGCTCCTGAGATCTGGGCCACTGCAA-3'
Protein context (NP_619639.3, residues 1682-1702): NIDIFIGMSP[Cys1692Ser]VGVSGNHTVL